The following is an entry in ClinVar:

NM_004612.4(TGFBR1):c.575G>A (p.Gly192Asp)

Gene: TGFBR1 (transforming growth factor beta receptor 1; plus strand). Cytogenetic location: 9q22.33.
Variant type: single nucleotide variant.
Coding change: c.575G>A on transcript NM_004612.4 (MANE Select); coding-DNA position 575, G replaced by A.
Protein change: p.Gly192Asp; replaces glycine 192 with aspartic acid.
Molecular consequence: missense variant.
Genome position (GRCh38, 1-based): chr9:99,137,859, G>A. VCF-style: chr9-99137859-G-A. GRCh37 (hg19) VCF-style: chr9-101900141-G-A.
Other names: c.344G>A, p.Gly115Asp (NM_001130916.3); c.587G>A, p.Gly196Asp (NM_001306210.2); c.575G>A (NM_004612.2); short protein forms G192D, G196D, G115D.
Identifiers: ClinVar variation 625133 (VCV000625133.6), dbSNP rs1564161224, ClinGen allele CA374229240.

ClinVar aggregate classification (germline): Conflicting classifications of pathogenicity. Review status: criteria provided, conflicting classifications (1 of 4 stars). 3 submissions from 3 submitters: Likely pathogenic (1); Uncertain significance (2). Last evaluated 2024-07-22.

Conditions:
Ehlers-Danlos syndrome, classic type (cEDS). Identifiers: Orphanet 287, MedGen C4225429, MONDO:0007522.
Familial thoracic aortic aneurysm and aortic dissection (TAAD). Also called: Thoracic aortic aneurysms and dissections. Identifiers: Orphanet 91387, MedGen C4707243, MONDO:0019625.

Submissions (3):

Labcorp Genetics (formerly Invitae), Labcorp
Classification: Uncertain significance for Familial thoracic aortic aneurysm and aortic dissection. Last evaluated: 2024-07-22. Review status: criteria provided, single submitter. Criteria: Invitae Variant Classification Sherloc (09022015). Collection method: clinical testing. Allele origin: germline.
Comment: This sequence change replaces glycine, which is neutral and non-polar, with aspartic acid, which is acidic and polar, at codon 192 of the TGFBR1 protein (p.Gly192Asp). This variant is not present in population databases (gnomAD no frequency). This missense change has been observed in individual(s) with Ehlers-Danlos syndrome (PMID: 30675029). ClinVar contains an entry for this variant (Variation ID: 625133). An algorithm developed to predict the effect of missense changes on protein structure and function (PolyPhen-2) suggests that this variant is likely to be disruptive. In summary, the available evidence is currently insufficient to determine the role of this variant in disease. Therefore, it has been classified as a Variant of Uncertain Significance.

GeneDx
Classification: Uncertain significance. Last evaluated: 2022-06-21. Review status: criteria provided, single submitter. Criteria: GeneDx Variant Classification Process June 2021. Collection method: clinical testing. Allele origin: germline. Affected: yes.
Comment: Reported in an individual with a connective tissue disorder (Renner et al., 2019); Not observed at significant frequency in large population cohorts (gnomAD); In silico analysis supports that this missense variant has a deleterious effect on protein structure/function; This variant is associated with the following publications: (PMID: 30675029)

Institute of Human Genetics, University Medical Center Hamburg-Eppendorf
Classification: Likely pathogenic for Ehlers-Danlos syndrome, classic type, 1. Last evaluated: 2018-11-20. Review status: criteria provided, single submitter. Criteria: ACMG Guidelines, 2015. Collection method: clinical testing. Allele origin: unknown. Inheritance: Autosomal dominant inheritance. Affected: yes.

Literature cited by the submitters: PubMed 30675029 (cited by Labcorp Genetics (formerly Invitae), Labcorp and Institute of Human Genetics, University Medical Center Hamburg-Eppendorf).